The following is an entry in ClinVar:

ClinVar aggregate classification (germline): Likely benign (1 of 4 stars; one submission).

Allele frequency attached by ClinVar (database versions not stated): 1000 Genomes Project 30x 0.00016; 1000 Genomes Project 0.00020; ESP Exome Variant Server 0.00046; TOPMed 0.00071; gnomAD 0.00082; ExAC 0.00096.
gnomAD v4.1: 1,901 of 1,584,592 alleles (0.12%); highest among the groups gnomAD compares: South Asian, 0.14%; 5 homozygotes.

Submission:

CeGaT Center for Human Genetics Tuebingen
Classification: Likely benign. Last evaluated: 2026-09-01. Review status: criteria provided, single submitter. Criteria: CeGaT Center For Human Genetics Tuebingen Variant Classification Criteria Version 2. Collection method: clinical testing. Allele origin: germline. Affected: yes. Observed: 6 variant alleles.
Comment: TRNT1: BS2

NM_182916.3(TRNT1):c.148+36C>T

Gene: TRNT1 (tRNA nucleotidyl transferase 1; plus strand). Cytogenetic location: 3p26.2.
Variant type: single nucleotide variant.
Coding change: c.148+36C>T on transcript NM_182916.3 (MANE Select); 36 bases into the intron after coding-DNA position 148, C replaced by T.
Molecular consequence: intron variant.
Genome position (GRCh38, 1-based): chr3:3,129,224, C>T. VCF-style: chr3-3129224-C-T. GRCh37 (hg19) VCF-style: chr3-3170908-C-T.
Other names: c.148+36C>T (NM_001367321.1, NM_001367323.1, NM_001367322.1 and 1 more transcripts).
Identifiers: ClinVar variation 3024967 (VCV003024967.22), dbSNP rs202044997, ClinGen allele CA2228534.